The following is an entry in ClinVar:

ClinVar aggregate classification (germline): Uncertain significance. Review status: criteria provided, multiple submitters, no conflicts (2 of 4 stars). 2 submissions from 2 submitters: Uncertain significance (2). Last evaluated 2025-03-18.

Allele frequency attached by ClinVar (database versions not stated): gnomAD exomes below 0.00001; gnomAD 0.00001; TOPMed 0.00002; ESP Exome Variant Server 0.00008.
gnomAD v4.1: 10 of 1,614,036 alleles (0.00062%); highest among the groups gnomAD compares: African/African-American, 0.008%; no homozygotes.

Submissions (2):

Labcorp Genetics (formerly Invitae), Labcorp
Classification: Uncertain significance. Last evaluated: 2025-03-18. Review status: criteria provided, single submitter. Criteria: Invitae Variant Classification Sherloc (09022015). Collection method: clinical testing. Allele origin: germline.
Comment: This sequence change replaces alanine, which is neutral and non-polar, with threonine, which is neutral and polar, at codon 668 of the MCM4 protein (p.Ala668Thr). This variant is present in population databases (rs145523525, gnomAD 0.004%). This variant has not been reported in the literature in individuals affected with MCM4-related conditions. ClinVar contains an entry for this variant (Variation ID: 1919838). Invitae Evidence Modeling of protein sequence and biophysical properties (such as structural, functional, and spatial information, amino acid conservation, physicochemical variation, residue mobility, and thermodynamic stability) indicates that this missense variant is not expected to disrupt MCM4 protein function with a negative predictive value of 80%. In summary, the available evidence is currently insufficient to determine the role of this variant in disease. Therefore, it has been classified as a Variant of Uncertain Significance.

Ambry Genetics
Classification: Uncertain significance. Last evaluated: 2025-03-09. Review status: criteria provided, single submitter. Criteria: Ambry Variant Classification Scheme 2023. Collection method: clinical testing. Allele origin: germline.

NM_182746.3(MCM4):c.2002G>A (p.Ala668Thr)

Gene: MCM4 (minichromosome maintenance complex component 4; plus strand). Cytogenetic location: 8q11.21.
Variant type: single nucleotide variant.
Coding change: c.2002G>A on transcript NM_182746.3 (MANE Select); coding-DNA position 2002, G replaced by A.
Protein change: p.Ala668Thr; replaces alanine 668 with threonine.
Molecular consequence: missense variant.
Genome position (GRCh38, 1-based): chr8:47,972,930, G>A. VCF-style: chr8-47972930-G-A. GRCh37 (hg19) VCF-style: chr8-48885490-G-A.
Other names: c.2002G>A, p.Ala668Thr (NM_005914.4); c.2002G>A (NM_005914.3); short protein forms A668T.
Identifiers: ClinVar variation 1919838 (VCV001919838.4), dbSNP rs145523525, ClinGen allele CA176158351.